The following is an entry in ClinVar:

NM_007294.4(BRCA1):c.4705A>G (p.Ser1569Gly)

Gene: BRCA1 (BRCA1 DNA repair associated; minus strand). Cytogenetic location: 17q21.31.
Variant type: single nucleotide variant.
Coding change: c.4705A>G on transcript NM_007294.4 (MANE Select); coding-DNA position 4705, A replaced by G.
Protein change: p.Ser1569Gly; replaces serine 1569 with glycine.
Molecular consequence: missense variant. On other transcripts: intron variant (1).
Genome position (GRCh38, 1-based): chr17:43,071,209, T>C on the plus strand (A>G on the coding strand, the complement: BRCA1 is on the minus strand). VCF-style: chr17-43071209-T-C. GRCh37 (hg19) VCF-style: chr17-41223226-T-C.
Other names: c.4579A>G, p.Ser1527Gly (NM_001407939.1, NM_001407940.1, NM_001407670.1 and 11 more transcripts); c.4699A>G, p.Ser1567Gly (NM_001407636.1, NM_001407637.1, NM_001407638.1 and 14 more transcripts); c.4576A>G, p.Ser1526Gly (NM_001407941.1, NM_001407681.1, NM_001407682.1 and 6 more transcripts); c.4564A>G, p.Ser1522Gly (NM_001407942.1, NM_007297.4, NM_001407692.1 and 13 more transcripts); c.4561A>G, p.Ser1521Gly (NM_001407943.1, NM_001407944.1, NM_001407945.1 and 21 more transcripts); c.4372A>G, p.Ser1458Gly (NM_001407946.1, NM_001407947.1, NM_001407948.1 and 1 more transcripts); c.4696A>G, p.Ser1566Gly (NM_001407644.1, NM_001407645.1); c.4369A>G, p.Ser1457Gly (NM_001407950.1, NM_001407951.1, NM_001407954.1 and 3 more transcripts); and 71 more; short protein forms S1272G, S1273G, S1400G, S1415G, S1440G, S1441G, S1442G, S1456G.
Identifiers: ClinVar variation 4800826 (VCV004800826.1).

ClinVar aggregate classification (germline): Uncertain significance (1 of 4 stars; one submission).

Conditions:
Hereditary breast ovarian cancer syndrome. Also called: Hereditary breast and ovarian cancer syndrome (HBOC); Hereditary breast and ovarian cancer; Breast and ovarian cancer; Hereditary breast and/or ovarian cancer syndrome; BRCA1- and BRCA2-Associated Hereditary Breast and Ovarian Cancer; Hereditary breast and ovarian cancer syndrome. Identifiers: Orphanet 145, MedGen C0677776, MeSH D061325, MONDO:0003582. Disease mechanism: loss of function.

Submission:

Labcorp Genetics (formerly Invitae), Labcorp
Classification: Uncertain significance for Hereditary breast ovarian cancer syndrome. Last evaluated: 2025-11-04. Review status: criteria provided, single submitter. Criteria: Invitae Variant Classification Sherloc (09022015). Collection method: clinical testing. Allele origin: germline.
Comment: This sequence change replaces serine, which is neutral and polar, with glycine, which is neutral and non-polar, at codon 1569 of the BRCA1 protein (p.Ser1569Gly). This variant is not present in population databases (gnomAD no frequency). This variant has not been reported in the literature in individuals affected with BRCA1-related conditions. Invitae Evidence Modeling of protein sequence and biophysical properties (such as structural, functional, and spatial information, amino acid conservation, physicochemical variation, residue mobility, and thermodynamic stability) indicates that this missense variant is not expected to disrupt BRCA1 protein function with a negative predictive value of 95%. In summary, the available evidence is currently insufficient to determine the role of this variant in disease. Therefore, it has been classified as a Variant of Uncertain Significance.